The following is an entry in ClinVar:

NM_030662.4(MAP2K2):c.331A>T (p.Ile111Phe)

Gene: MAP2K2 (mitogen-activated protein kinase kinase 2; minus strand). Cytogenetic location: 19p13.3.
Variant type: single nucleotide variant.
Coding change: c.331A>T on transcript NM_030662.4 (MANE Select); coding-DNA position 331, A replaced by T.
Protein change: p.Ile111Phe; replaces isoleucine 111 with phenylalanine.
Molecular consequence: missense variant.
Genome position (GRCh38, 1-based): chr19:4,110,628, T>A on the plus strand (A>T on the coding strand, the complement: MAP2K2 is on the minus strand). VCF-style: chr19-4110628-T-A. GRCh37 (hg19) VCF-style: chr19-4110626-T-A.
Other names: short protein forms I111F.
Identifiers: ClinVar variation 432872 (VCV000432872.9), dbSNP rs1555698031, ClinGen allele CA403391703.

ClinVar aggregate classification (germline): Uncertain significance. Review status: criteria provided, multiple submitters, no conflicts (2 of 4 stars). 3 submissions from 3 submitters: Uncertain significance (3). Last evaluated 2025-09-19.

Conditions:
RASopathy. Also called: rasopathies; Noonan spectrum disorder. Identifiers: Orphanet 536391, MedGen C5555857, MONDO:0021060.
Cardiofaciocutaneous syndrome 4 (CFC4). Also called: MAP2K2-Related Cardiofaciocutaneous Syndrome. Identifiers: Orphanet 1340, MedGen C3809007, MONDO:0014114, OMIM 615280.

Submissions (3):

GeneDx
Classification: Uncertain significance. Last evaluated: 2025-09-19. Review status: criteria provided, single submitter. Criteria: GeneDx Variant Classification Process June 2021. Collection method: clinical testing. Allele origin: germline. Affected: yes.
Comment: Has not been previously published as pathogenic or benign to our knowledge; Not observed at significant frequency in large population cohorts (gnomAD); In silico analysis supports that this missense variant has a deleterious effect on protein structure/function; Missense variants in this gene are a common cause of disease and they are underrepresented in the general population

Fulgent Genetics
Classification: Uncertain significance for Cardiofaciocutaneous syndrome 4. Last evaluated: 2023-12-30. Review status: criteria provided, single submitter. Criteria: ACMG Guidelines, 2015. Collection method: clinical testing. Allele origin: germline.

Labcorp Genetics (formerly Invitae), Labcorp
Classification: Uncertain significance for RASopathy. Last evaluated: 2023-01-01. Review status: criteria provided, single submitter. Criteria: Invitae Variant Classification Sherloc (09022015). Collection method: clinical testing. Allele origin: germline.
Comment: This variant has not been reported in the literature in individuals affected with MAP2K2-related conditions. This variant is not present in population databases (gnomAD no frequency). This sequence change replaces isoleucine, which is neutral and non-polar, with phenylalanine, which is neutral and non-polar, at codon 111 of the MAP2K2 protein (p.Ile111Phe). ClinVar contains an entry for this variant (Variation ID: 432872). In summary, the available evidence is currently insufficient to determine the role of this variant in disease. Therefore, it has been classified as a Variant of Uncertain Significance. Advanced modeling of protein sequence and biophysical properties (such as structural, functional, and spatial information, amino acid conservation, physicochemical variation, residue mobility, and thermodynamic stability) performed at Invitae indicates that this missense variant is not expected to disrupt MAP2K2 protein function.